The following is an entry in ClinVar:

NM_002485.5(NBN):c.986C>T (p.Pro329Leu)

Gene: NBN (nibrin; minus strand). Cytogenetic location: 8q21.3.
Variant type: single nucleotide variant.
Coding change: c.986C>T on transcript NM_002485.5 (MANE Select); coding-DNA position 986, C replaced by T.
Protein change: p.Pro329Leu; replaces proline 329 with leucine.
Molecular consequence: missense variant.
Genome position (GRCh38, 1-based): chr8:89,964,418, G>A on the plus strand (C>T on the coding strand, the complement: NBN is on the minus strand). VCF-style: chr8-89964418-G-A. GRCh37 (hg19) VCF-style: chr8-90976646-G-A.
Other names: c.740C>T, p.Pro247Leu (NM_001024688.3); short protein forms P329L, P247L.
Identifiers: ClinVar variation 481867 (VCV000481867.21), dbSNP rs1386471248, ClinGen allele CA371656852.

ClinVar aggregate classification (germline): Uncertain significance. Review status: criteria provided, multiple submitters, no conflicts (2 of 4 stars). 4 submissions from 4 submitters: Uncertain significance (3). 1 of the submissions does not count toward it. Last evaluated 2025-02-02.

Conditions:
Hereditary cancer-predisposing syndrome. Also called: Hereditary neoplastic syndrome; Neoplastic Syndromes, Hereditary; Tumor predisposition; Hereditary Cancer Syndrome. Identifiers: Orphanet 140162, MedGen C0027672, MeSH D009386, MONDO:0015356.
Microcephaly, normal intelligence and immunodeficiency (NBS). Also called: IMMUNODEFICIENCY, MICROCEPHALY, AND CHROMOSOMAL INSTABILITY; SEEMANOVA SYNDROME II; Nijmegen breakage syndrome; Microcephaly with normal intelligence immunodeficiency and lymphoreticular malignancies; Nonsyndromal microcephaly autosomal recessive with normal intelligence; Seemanova syndrome 2. Identifiers: Orphanet 647, MedGen C0398791, MONDO:0009623, OMIM 251260.

Allele frequency attached by ClinVar (database versions not stated): gnomAD exomes below 0.00001; TOPMed below 0.00001; gnomAD 0.00001.
gnomAD v4.1: 3 of 1,613,590 alleles (0.00019%); highest among the groups gnomAD compares: East Asian, 0.0022%; no homozygotes.

Submissions (4):

Ambry Genetics
Classification: Uncertain significance for Hereditary cancer-predisposing syndrome. Last evaluated: 2025-02-02. Review status: criteria provided, single submitter. Criteria: Ambry Variant Classification Scheme 2023. Collection method: clinical testing. Allele origin: germline.
Comment: The p.P329L variant (also known as c.986C>T), located in coding exon 8 of the NBN gene, results from a C to T substitution at nucleotide position 986. The proline at codon 329 is replaced by leucine, an amino acid with similar properties. This amino acid position is well conserved in available vertebrate species. In addition, this alteration is predicted to be tolerated by in silico analysis. Since supporting evidence is limited at this time, the clinical significance of this alteration remains unclear.

Labcorp Genetics (formerly Invitae), Labcorp
Classification: Uncertain significance for Microcephaly, normal intelligence and immunodeficiency. Last evaluated: 2023-07-08. Review status: criteria provided, single submitter. Criteria: Invitae Variant Classification Sherloc (09022015). Collection method: clinical testing. Allele origin: germline.
Comment: This sequence change replaces proline, which is neutral and non-polar, with leucine, which is neutral and non-polar, at codon 329 of the NBN protein (p.Pro329Leu). This variant is not present in population databases (gnomAD no frequency). This variant has not been reported in the literature in individuals affected with NBN-related conditions. ClinVar contains an entry for this variant (Variation ID: 481867). An algorithm developed to predict the effect of missense changes on protein structure and function (PolyPhen-2) suggests that this variant¬†is likely to be tolerated. In summary, the available evidence is currently insufficient to determine the role of this variant in disease. Therefore, it has been classified as a Variant of Uncertain Significance.

Genome-Nilou Lab
Classification: Uncertain significance for Microcephaly, normal intelligence and immunodeficiency. Last evaluated: 2021-11-07. Review status: criteria provided, single submitter. Criteria: ACMG Guidelines, 2015. Collection method: clinical testing. Allele origin: germline. Affected: no.

Natera, Inc.
Classification: Uncertain significance for Nijmegen breakage syndrome. Last evaluated: 2020-02-26. Review status: no assertion criteria provided. Collection method: clinical testing. Allele origin: germline. Not counted in ClinVar's aggregate classification.